The following is an entry in ClinVar:

ClinVar aggregate classification (germline): Likely benign (0 of 4 stars; one submission).

Conditions:
RASIP1-related disorder. Also called: RASIP1-related condition.

Allele frequency attached by ClinVar (database versions not stated): 1000 Genomes Project 30x 0.00031; 1000 Genomes Project 0.00040; ExAC 0.00076; TOPMed 0.00110; gnomAD 0.00116; gnomAD exomes 0.00186; ESP Exome Variant Server 0.00215.
gnomAD v4.1: 2,837 of 1,614,048 alleles (0.18%); highest among the groups gnomAD compares: Non-Finnish European, 0.23%; 2 homozygotes.

Submission:

PreventionGenetics, part of Exact Sciences
Classification: Likely benign for RASIP1-related condition. Last evaluated: 2022-12-28. Review status: no assertion criteria provided. Collection method: clinical testing. Allele origin: germline.
Comment: This variant is classified as likely benign based on ACMG/AMP sequence variant interpretation guidelines (Richards et al. 2015 PMID: 25741868, with internal and published modifications).

NM_017805.3(RASIP1):c.2827G>A (p.Asp943Asn)

Genes: RASIP1 (Ras interacting protein 1; minus strand), LOC117125599 (CRISPRi-FlowFISH-validated FUT1 regulatory element 1; plus strand). Cytogenetic location: 19q13.33.
Variant type: single nucleotide variant.
Coding change: c.2827G>A on transcript NM_017805.3 (MANE Select); coding-DNA position 2827, G replaced by A.
Protein change: p.Asp943Asn; replaces aspartic acid 943 with asparagine.
Molecular consequence: missense variant.
Genome position (GRCh38, 1-based): chr19:48,720,863, C>T on the plus strand (G>A on the coding strand, the complement: RASIP1 is on the minus strand). VCF-style: chr19-48720863-C-T. GRCh37 (hg19) VCF-style: chr19-49224120-C-T.
Other names: short protein forms D943N.
Identifiers: ClinVar variation 3044744 (VCV003044744.2), dbSNP rs34800326, ClinGen allele CA9556765.
Genomic context (GRCh38, chr19:48,720,863, plus strand): 5'-GAGACGTGGCCACGGGAGGCCCATGGCGATAATTGGCTGGCAGCTCCTGCTGCTCAAGAT[C>T]CCAGAGGAGGCGGCGGAGCCTACGGAGTTCACGGTGCAAGGCATCGTCCGTCACTGGACC-3'
Protein context (NP_060275.2, residues 933-953): ELRRLRRLLW[Asp943Asn]LEQQELPANY